The following is an entry in ClinVar:

NM_018139.3(DNAAF2):c.1891G>A (p.Val631Ile)

Gene: DNAAF2 (dynein axonemal assembly factor 2; minus strand). Cytogenetic location: 14q21.3.
Variant type: single nucleotide variant.
Coding change: c.1891G>A on transcript NM_018139.3 (MANE Select); coding-DNA position 1891, G replaced by A.
Protein change: p.Val631Ile; replaces valine 631 with isoleucine.
Molecular consequence: missense variant. On other transcripts: intron variant (2).
Genome position (GRCh38, 1-based): chr14:49,628,128, C>T on the plus strand (G>A on the coding strand, the complement: DNAAF2 is on the minus strand). VCF-style: chr14-49628128-C-T. GRCh37 (hg19) VCF-style: chr14-50094846-C-T.
Other names: c.1864-2080G>A (NM_001083908.2); c.-204-2080G>A (NM_001378453.1); short protein forms V631I.
Identifiers: ClinVar variation 1450701 (VCV001450701.4), dbSNP rs183126428, ClinGen allele CA260664888.
Genomic context (GRCh38, chr14:49,628,128, plus strand): 5'-GGGTCAAGGACATAGACTGTTTGAATGGAGAGCTCAGGACCTCTTCAAGAAACTCATTAA[C>T]ATTTTCTTCATTGACAAATAACCTTTCCTAAAATAAAAAGGGAAAAAATATTCTGCCTAA-3'
Protein context (NP_060609.2, residues 621-641): EERLFVNEEN[Val631Ile]NEFLEEVLSS

ClinVar aggregate classification (germline): Uncertain significance (1 of 4 stars; one submission).

Conditions:
Primary ciliary dyskinesia. Also called: Ciliary dyskinesia. Identifiers: Orphanet 244, MedGen C0008780, MONDO:0016575, HP:0012265.

Allele frequency attached by ClinVar (database versions not stated): gnomAD exomes below 0.00001; gnomAD 0.00002; 1000 Genomes Project 30x 0.00016; 1000 Genomes Project 0.00020.
gnomAD v4.1: 6 of 1,589,898 alleles (0.00038%); highest among the groups gnomAD compares: African/African-American, 0.0054%; no homozygotes.

Submission:

Labcorp Genetics (formerly Invitae), Labcorp
Classification: Uncertain significance for Primary ciliary dyskinesia. Last evaluated: 2025-10-29. Review status: criteria provided, single submitter. Criteria: Invitae Variant Classification Sherloc (09022015). Collection method: clinical testing. Allele origin: germline.
Comment: This sequence change replaces valine, which is neutral and non-polar, with isoleucine, which is neutral and non-polar, at codon 631 of the DNAAF2 protein (p.Val631Ile). This variant is not present in population databases (gnomAD no frequency). This missense change has been observed in individual(s) with nonobstructive azoospermia or severe oligospermia (PMID: 32719396). ClinVar contains an entry for this variant (Variation ID: 1450701). Invitae Evidence Modeling of protein sequence and biophysical properties (such as structural, functional, and spatial information, amino acid conservation, physicochemical variation, residue mobility, and thermodynamic stability) indicates that this missense variant is not expected to disrupt DNAAF2 protein function with a negative predictive value of 80%. In summary, the available evidence is currently insufficient to determine the role of this variant in disease. Therefore, it has been classified as a Variant of Uncertain Significance.

Literature cited by the submitters: PubMed 32719396.